The following is an entry in ClinVar:

NM_015629.4(PRPF31):c.529C>T (p.Gln177Ter)

Gene: PRPF31 (pre-mRNA processing factor 31; plus strand). Cytogenetic location: 19q13.42.
Variant type: single nucleotide variant.
Coding change: c.529C>T on transcript NM_015629.4 (MANE Select); coding-DNA position 529, C replaced by T.
Protein change: p.Gln177Ter; replaces glutamine 177 with a stop codon.
Molecular consequence: nonsense.
Genome position (GRCh38, 1-based): chr19:54,123,750, C>T. VCF-style: chr19-54123750-C-T. GRCh37 (hg19) VCF-style: chr19-54627129-C-T.
Other names: short protein forms Q177*.
Identifiers: ClinVar variation 1452238 (VCV001452238.6), dbSNP rs2146420461, ClinGen allele CA407750434.

ClinVar aggregate classification (germline): Pathogenic (1 of 4 stars; one submission).

Submission:

Labcorp Genetics (formerly Invitae), Labcorp
Classification: Pathogenic. Last evaluated: 2022-12-19. Review status: criteria provided, single submitter. Criteria: Invitae Variant Classification Sherloc (09022015). Collection method: clinical testing. Allele origin: germline.
Comment: This variant has not been reported in the literature in individuals affected with PRPF31-related conditions. This sequence change creates a premature translational stop signal (p.Gln177*) in the PRPF31 gene. It is expected to result in an absent or disrupted protein product. Loss-of-function variants in PRPF31 are known to be pathogenic (PMID: 18317597, 23950152). This variant is not present in population databases (gnomAD no frequency). ClinVar contains an entry for this variant (Variation ID: 1452238). For these reasons, this variant has been classified as Pathogenic.

Literature cited by the submitters: PubMed 18317597; PubMed 23950152.